The following is an entry in ClinVar:

NM_001283009.2(RTEL1):c.3292G>T (p.Val1098Leu)

Genes: RTEL1 (regulator of telomere elongation helicase 1; plus strand), RTEL1-TNFRSF6B (RTEL1-TNFRSF6B readthrough (NMD candidate); plus strand). Cytogenetic location: 20q13.33.
Variant type: single nucleotide variant.
Coding change: c.3292G>T on transcript NM_001283009.2 (MANE Select); coding-DNA position 3292, G replaced by T.
Protein change: p.Val1098Leu; replaces valine 1098 with leucine.
Molecular consequence: missense variant. On other transcripts: non-coding transcript variant (1).
Genome position (GRCh38, 1-based): chr20:63,694,923, G>T. VCF-style: chr20-63694923-G-T. GRCh37 (hg19) VCF-style: chr20-62326276-G-T.
Other names: c.2623G>T, p.Val875Leu (NM_001283010.1); c.3292G>T, p.Val1098Leu (NM_016434.4); c.3364G>T, p.Val1122Leu (NM_032957.5); short protein forms V1098L, V1122L, V875L.
Identifiers: ClinVar variation 3948263 (VCV003948263.1).

ClinVar aggregate classification (germline): Uncertain significance (1 of 4 stars; one submission).

Conditions:
Inborn genetic diseases. Identifiers: MedGen C0950123, MeSH D030342.

gnomAD v4.1: 2 of 1,612,524 alleles (0.00012%); highest among the groups gnomAD compares: Non-Finnish European, 0.00017%; no homozygotes.

Submission:

Ambry Genetics
Classification: Uncertain significance for Inborn genetic diseases. Last evaluated: 2025-03-28. Review status: criteria provided, single submitter. Criteria: Ambry Variant Classification Scheme 2023. Collection method: clinical testing. Allele origin: germline.
Comment: The p.V1098L variant (also known as c.3292G>T), located in coding exon 31 of the RTEL1 gene, results from a G to T substitution at nucleotide position 3292. The valine at codon 1098 is replaced by leucine, an amino acid with highly similar properties. This amino acid position is conserved. In addition, the in silico prediction for this alteration is inconclusive. Based on the available evidence, the clinical significance of this variant remains unclear.